The following is an entry in ClinVar:

NM_001080477.4(TENM3):c.7908_7925del (p.Glu2636_Arg2641del)

Gene: TENM3 (teneurin transmembrane protein 3; plus strand). Cytogenetic location: 4q35.1.
Variant type: Deletion.
Coding change: c.7908_7925del on transcript NM_001080477.4 (MANE Select); coding-DNA positions 7908 to 7925, 18 bases deleted (GCAGCAGCGCGTGCGCGA).
Protein change: p.Glu2636_Arg2641del.
Molecular consequence: inframe deletion.
Genome position (GRCh38, 1-based): chr4:182,800,159-182,800,176, GCAGCAGCGCGTGCGCGA deleted; deleting any 18 consecutive bases within chr4:182,800,153-182,800,176 gives the same sequence; the c. name uses the placement nearest the transcript's 3' end. VCF-style (leftmost placement, unchanged base first): chr4-182800152-CGCGCGAGCAGCAGCGCGT-C. GRCh37 (hg19) VCF-style: chr4-183721305-CGCGCGAGCAGCAGCGCGT-C.
Other names: c.7140_7157del, p.Glu2380_Arg2385del (NM_001415960.1); c.7113_7130del, p.Glu2371_Arg2376del (NM_001415961.1); c.7110_7127del, p.Glu2370_Arg2375del (NM_001415962.1); c.7092_7109del, p.Glu2364_Arg2369del (NM_001415963.1); c.7089_7106del, p.Glu2363_Arg2368del (NM_001415964.1); c.7626_7643del, p.Glu2542_Arg2547del (NM_001415966.1); c.7650_7667del, p.Glu2550_Arg2555del (NM_001415967.1); c.7926_7943del, p.Glu2642_Arg2647del (NM_001415968.1); and 4 more.
Identifiers: ClinVar variation 4532391 (VCV004532391.1).
Genomic context (GRCh38, chr4:182,800,152, plus strand): 5'-ACGAGGAGAAGGCGCGCATCCTGGAGCAGGCGCGGCAGCGCGCGCTCGCCCGGGCCTGGG[CGCGCGAGCAGCAGCGCGT>C]GCGCGACGGCGAGGAGGGCGCGCGCCTCTGGACGGAGGGCGAGAAGCGGCAGCTGCTGAG-3'

ClinVar aggregate classification (germline): Uncertain significance (1 of 4 stars; one submission).

Submission:

GeneDx
Classification: Uncertain significance. Last evaluated: 2025-05-23. Review status: criteria provided, single submitter. Criteria: GeneDx Variant Classification Process June 2021. Collection method: clinical testing. Allele origin: germline. Affected: yes.
Comment: Not observed at significant frequency in large population cohorts (gnomAD); In-frame deletion of 6 amino acid(s) in a non-repeat region; In silico analysis suggests that this variant does not alter protein structure/function; Has not been previously published as pathogenic or benign to our knowledge